The following is an entry in ClinVar:

ClinVar aggregate classification (germline): Uncertain significance. Review status: criteria provided, multiple submitters, no conflicts (2 of 4 stars). 3 submissions from 3 submitters: Uncertain significance (2). 1 of the submissions does not count toward it. Last evaluated 2026-04-16.

Conditions:
Atransferrinemia. Also called: Familial hypotransferrinemia. Identifiers: Orphanet 1195, MedGen C0521802, MONDO:0008846, OMIM 209300, HP:0012239.

Allele frequency attached by ClinVar (database versions not stated): gnomAD exomes below 0.00001; ExAC 0.00001; gnomAD 0.00001; TOPMed 0.00001.
gnomAD v4.1: 4 of 1,613,402 alleles (0.00025%); highest among the groups gnomAD compares: East Asian, 0.0022%; no homozygotes.

Submissions (3):

Myriad Genetics, Inc.
Classification: Uncertain significance for Atransferrinemia. Last evaluated: 2026-04-16. Review status: criteria provided, single submitter. Criteria: Myriad Autosomal Dominant, Autosomal Recessive and X-Linked Classification Criteria (2023). Collection method: clinical testing. Allele origin: unknown.
Comment: NM_001063.3(TF):c.1180G>A(E394K) is a missense variant classified as a variant of uncertain significance in the context of atransferrinemia. E394K has been observed in a case with relevant disease (PMID: 12111369). Relevant functional assessments of this variant are not available in the literature. E394K has been observed in referenced population frequency databases. In summary, there is insufficient evidence to classify NM_001063.3(TF):c.1180G>A(E394K) as pathogenic or benign. Please note: this variant was assessed in the context of healthy population screening.

Women's Health and Genetics/Laboratory Corporation of America, LabCorp
Classification: Uncertain significance. Last evaluated: 2023-09-06. Review status: criteria provided, single submitter. Criteria: LabCorp Variant Classification Summary - May 2015. Collection method: clinical testing. Allele origin: germline.
Comment: Variant summary: TF c.1180G>A (p.Glu394Lys) results in a conservative amino acid change located in the transferrin-like domain (IPR001156) of the encoded protein sequence. Three of five in-silico tools predict a benign effect of the variant on protein function. The variant allele was found at a frequency of 4e-06 in 250576 control chromosomes (gnomAD). The available data on variant occurrences in the general population are insufficient to allow any conclusion about variant significance. c.1180G>A has been reported in the literature in an individual affected with Atransferrinemia (Asada-Senju_2002). This patient inherited the variant paternally and was presumed to be compound heterozygous together with an inferred, but unidentified, null maternal allele based on results from isoelectric focusing analysis which showed only an abnormal TF variant protein (also shared by the father) in the proband. These data do not allow any conclusion about variant significance. To our knowledge, no experimental evidence demonstrating an impact on protein function has been reported. The following publication have been ascertained in the context of this evaluation (PMID: 12111369). No submitters have cited clinical-significance assessments for this variant to ClinVar after 2014. Based on the evidence outlined above, the variant was classified as uncertain significance.

OMIM
Classification: Pathogenic for ATRANSFERRINEMIA. Last evaluated: 2002-01-01. Review status: no assertion criteria provided. Collection method: literature only. Allele origin: germline. Not counted in ClinVar's aggregate classification.

Literature cited by the submitters: PubMed 12111369 (cited by 3 submitters); PubMed 8317485 (cited by OMIM); PubMed 4625559 (cited by OMIM).

NM_001063.4(TF):c.1180G>A (p.Glu394Lys)

Gene: TF (transferrin; plus strand). Cytogenetic location: 3q22.1.
Variant type: single nucleotide variant.
Coding change: c.1180G>A on transcript NM_001063.4 (MANE Select); coding-DNA position 1180, G replaced by A.
Protein change: p.Glu394Lys; replaces glutamic acid 394 with lysine.
Molecular consequence: missense variant.
Genome position (GRCh38, 1-based): chr3:133,759,306, G>A. VCF-style: chr3-133759306-G-A. GRCh37 (hg19) VCF-style: chr3-133478150-G-A.
Other names: E375K; c.1180G>A (NM_001063.3); c.1048G>A, p.Glu350Lys (NM_001354703.2); c.799G>A, p.Glu267Lys (NM_001354704.2); short protein forms E394K, E350K, E267K.
Identifiers: ClinVar variation 12623 (VCV000012623.3), dbSNP rs121918680, ClinGen allele CA122573.
Genomic context (GRCh38, chr3:133,759,306, plus strand): 5'-TGTGATGAGTGGAGTGTTAACAGTGTAGGGAAAATAGAGTGTGTATCAGCAGAGACCACC[G>A]AAGACTGCATCGCCAAGATCATGGTATGTCACTCCAGCCTTCCTAGGGCAGCGTCCCTGT-3'
Protein context (NP_001054.2, residues 384-404): KIECVSAETT[Glu394Lys]DCIAKIMNGE